The following is an entry in ClinVar:

NM_001382273.1(TNK2):c.1418G>A (p.Arg473His)

Gene: TNK2 (tyrosine kinase non receptor 2; minus strand). Cytogenetic location: 3q29.
Variant type: single nucleotide variant.
Coding change: c.1418G>A on transcript NM_001382273.1 (MANE Select); coding-DNA position 1418, G replaced by A.
Protein change: p.Arg473His; replaces arginine 473 with histidine.
Molecular consequence: missense variant. On other transcripts: non-coding transcript variant (15).
Genome position (GRCh38, 1-based): chr3:195,872,309, C>T on the plus strand (G>A on the coding strand, the complement: TNK2 is on the minus strand). VCF-style: chr3-195872309-C-T. GRCh37 (hg19) VCF-style: chr3-195599180-C-T.
Other names: c.1490G>A, p.Arg497His (NM_001010938.2, NM_001382272.1, NM_001387708.1 and 1 more transcripts); c.1514G>A, p.Arg505His (NM_001308046.2, NM_001382271.1, NM_001382275.1 and 1 more transcripts); c.1418G>A, p.Arg473His (NM_001382274.1, NM_001386164.1, NM_001387709.1 and 12 more transcripts); short protein forms R473H, R497H, R505H.
Identifiers: ClinVar variation 4780074 (VCV004780074.1).
Genomic context (GRCh38, chr3:195,872,309, plus strand): 5'-CAGCATCCATCCCCGCCCAGTACTCACTCGTCAATCCTGTCCGGGAAGCCCCAGCAGTGG[C>T]GGGGGTCACTGTCGCCATGCCCTGTGTGGATGAAGCTGTTCTGCAGGGGCTGGCTGATGT-3'
Protein context (NP_001369202.1, residues 463-483): IHTGHGDSDP[Arg473His]HCWGFPDRID

ClinVar aggregate classification (germline): Uncertain significance (1 of 4 stars; one submission).

gnomAD v4.1: 123 of 1,613,278 alleles (0.0076%); highest among the groups gnomAD compares: Admixed American, 0.02%; 1 homozygote.

Submission:

Labcorp Genetics (formerly Invitae), Labcorp
Classification: Uncertain significance. Last evaluated: 2025-05-05. Review status: criteria provided, single submitter. Criteria: Invitae Variant Classification Sherloc (09022015). Collection method: clinical testing. Allele origin: germline.
Comment: This sequence change replaces arginine, which is basic and polar, with histidine, which is basic and polar, at codon 536 of the TNK2 protein (p.Arg536His). This variant is present in population databases (rs566778334, gnomAD 0.02%). This variant has not been reported in the literature in individuals affected with TNK2-related conditions. An algorithm developed to predict the effect of missense changes on protein structure and function (PolyPhen-2) suggests that this variant is likely to be tolerated. In summary, the available evidence is currently insufficient to determine the role of this variant in disease. Therefore, it has been classified as a Variant of Uncertain Significance.